The following is an entry in ClinVar:

ClinVar aggregate classification (germline): Benign (1 of 4 stars; one submission).

Allele frequency attached by ClinVar (database versions not stated): 1000 Genomes Project 30x 0.80637; 1000 Genomes Project 0.80691; gnomAD 0.81646; TOPMed 0.82722.
gnomAD v4.1: 124,550 of 152,196 alleles (82%); highest among the groups gnomAD compares: East Asian, 89%; 51,081 homozygotes.

Submissions (4):

GeneDx
Classification: Benign. Last evaluated: 2018-06-14. Review status: criteria provided, single submitter. Criteria: GeneDx Variant Classification (06012015). Collection method: clinical testing. Allele origin: germline. Affected: yes.
Comment: This variant is considered likely benign or benign based on one or more of the following criteria: it is a conservative change, it occurs at a poorly conserved position in the protein, it is predicted to be benign by multiple in silico algorithms, and/or has population frequency not consistent with disease.

Dr. Peter K. Rogan Lab, Western University
No classification provided (evidence only). Condition: Lung cancer. Review status: no classification provided. Collection method: in vitro. Allele origin: not applicable. Functional consequence: retained intron. Not counted in ClinVar's aggregate classification.

Dr. Peter K. Rogan Lab, Western University
No classification provided (evidence only). Condition: Malignant lymphoma, large B-cell, diffuse. Review status: no classification provided. Collection method: in vitro. Allele origin: not applicable. Functional consequence: skipped exon. Not counted in ClinVar's aggregate classification.

Dr. Peter K. Rogan Lab, Western University
No classification provided (evidence only). Condition: Gastric cancer. Review status: no classification provided. Collection method: in vitro. Allele origin: not applicable. Functional consequence: retained intron. Not counted in ClinVar's aggregate classification.

NM_001849.4(COL6A2):c.1117-218A>T

Gene: COL6A2 (collagen type VI alpha 2 chain; plus strand). Cytogenetic location: 21q22.3.
Variant type: single nucleotide variant.
Coding change: c.1117-218A>T on transcript NM_001849.4 (MANE Select); 218 bases into the intron before coding-DNA position 1117, A replaced by T.
Molecular consequence: intron variant.
Genome position (GRCh38, 1-based): chr21:46,118,396, A>T. VCF-style: chr21-46118396-A-T. GRCh37 (hg19) VCF-style: chr21-47538310-A-T.
Other names: NC_000021.8:g.47538310A>T; c.1117-218A>T (NM_058175.3, NM_058174.3).
Identifiers: ClinVar variation 679206 (VCV000679206.2), dbSNP rs2070577, ClinGen allele CA14888069.
Genomic context (GRCh38, chr21:46,118,396, plus strand): 5'-GGCTTCCCACTTTCTGTCCACCTTCCCTCAGCCCAAGCCCAAGTCTGGCTGAGTCCTCTG[A>T]GCAGATGCACAGGCGTCCTGCCCGTGACACACACTCTGCCCTCAGCTGGCACGGAGGTTC-3'